The following is an entry in ClinVar:

ClinVar aggregate classification (germline): Likely pathogenic (1 of 4 stars; one submission).

Conditions:
Syndromic hydrocephalus due to diffuse villous hyperplasia of choroid plexus.

Submission:

Kahle Lab, Yale University
Classification: Likely pathogenic for Syndromic hydrocephalus due to diffuse villous hyperplasia of choroid plexus. Last evaluated: 2016-12-19. Review status: criteria provided, single submitter. Criteria: Furey et al. (Cold Spring Harb Mol Case Stud. 2018 Jun 12). Collection method: clinical testing. Allele origin: unknown. Affected: yes. Observed: 1 variant allele.
Comment: Apart from one report of monosomy 1p36, all other genetic reports of hydrocephalus in patients with diffuse villous hyperplasia of choroid plexus have identified gain of chromosome 9p, making this chromosome aberration highly likely to be pathogenic and associated with the disease. Interestingly, gain of chromosome 9p has been well described as associated with several cases of choroid plexus papilloma and choroid plexus carcinoma.

Microarray result: arr [hg19] 9p24.3-p11.2 (204,193-44,259,464)x4, 15q13.2-q13.3 (30,943,903-32,510,863)x1 (Triplication of chr 9p and deletion of 15q13.3)

Literature cited by the submitters: PubMed 20433267; PubMed 16523225; PubMed 15007227.

GRCh37/hg19 9p24.3-11.2(chr9:204193-44259464)x4

Genes: ACER2 (alkaline ceramidase 2; plus strand), ACO1 (aconitase 1; plus strand), ADAMTSL1 (ADAMTS like 1; plus strand), AK3 (adenylate kinase 3; minus strand), ALDH1B1 (aldehyde dehydrogenase 1 family member B1; plus strand) and 198 more. Cytogenetic location: 9p24.3-11.2.
Variant type: copy number gain.
Change: copy number 4 of chr9:204,193-44,259,464 (44.06 Mb, GRCh37 coordinates, 1-based), cytogenetic band 9p24.3-11.2.
Identifiers: ClinVar variation 559575 (VCV000559575.1).